The following is an entry in ClinVar:

NM_022124.6(CDH23):c.9866C>T (p.Thr3289Met)

Gene: CDH23 (cadherin related 23; plus strand). Cytogenetic location: 10q22.1.
Variant type: single nucleotide variant.
Coding change: c.9866C>T on transcript NM_022124.6 (MANE Select); coding-DNA position 9866, C replaced by T.
Protein change: p.Thr3289Met; replaces threonine 3289 with methionine.
Molecular consequence: missense variant.
Genome position (GRCh38, 1-based): chr10:71,815,079, C>T. VCF-style: chr10-71815079-C-T. GRCh37 (hg19) VCF-style: chr10-73574836-C-T.
Other names: c.3146C>T, p.Thr1049Met (NM_001171933.1); c.3041C>T, p.Thr1014Met (NM_001171934.1); c.557C>T, p.Thr186Met (NM_001171935.1); c.452C>T, p.Thr151Met (NM_001171936.1); c.9866C>T (NM_022124.5); short protein forms T1014M, T3289M, T151M, T186M, T1049M.
Identifiers: ClinVar variation 2166456 (VCV002166456.2), dbSNP rs922748358, ClinGen allele CA377138306.

ClinVar aggregate classification (germline): Uncertain significance. Review status: criteria provided, multiple submitters, no conflicts (2 of 4 stars). 2 submissions from 2 submitters: Uncertain significance (2). Last evaluated 2022-10-25.

Conditions:
Inborn genetic diseases. Identifiers: MedGen C0950123, MeSH D030342.

Allele frequency attached by ClinVar (database versions not stated): gnomAD exomes 0.00001.
gnomAD v4.1: 8 of 1,611,388 alleles (0.0005%); highest among the groups gnomAD compares: South Asian, 0.0055%; no homozygotes.

Submissions (2):

Labcorp Genetics (formerly Invitae), Labcorp
Classification: Uncertain significance. Last evaluated: 2022-10-25. Review status: criteria provided, single submitter. Criteria: Invitae Variant Classification Sherloc (09022015). Collection method: clinical testing. Allele origin: germline.
Comment: This sequence change replaces threonine, which is neutral and polar, with methionine, which is neutral and non-polar, at codon 3289 of the CDH23 protein (p.Thr3289Met). This variant is present in population databases (no rsID available, gnomAD 0.0009%). This variant has not been reported in the literature in individuals affected with CDH23-related conditions. Advanced modeling of protein sequence and biophysical properties (such as structural, functional, and spatial information, amino acid conservation, physicochemical variation, residue mobility, and thermodynamic stability) performed at Invitae indicates that this missense variant is not expected to disrupt CDH23 protein function. In summary, the available evidence is currently insufficient to determine the role of this variant in disease. Therefore, it has been classified as a Variant of Uncertain Significance.

Ambry Genetics
Classification: Uncertain significance for Inborn genetic diseases. Last evaluated: 2022-06-28. Review status: criteria provided, single submitter. Criteria: Ambry Variant Classification Scheme 2023. Collection method: clinical testing. Allele origin: germline.